The following is an entry in ClinVar:

ClinVar aggregate classification (germline): Uncertain significance (1 of 4 stars; one submission).

Submission:

GeneDx
Classification: Uncertain significance. Last evaluated: 2024-08-16. Review status: criteria provided, single submitter. Criteria: GeneDx Variant Classification Process June 2021. Collection method: clinical testing. Allele origin: germline. Affected: yes.
Comment: Not observed at significant frequency in large population cohorts (gnomAD); In silico analysis indicates that this missense variant does not alter protein structure/function; Has not been previously published as pathogenic or benign to our knowledge

NM_000441.2(SLC26A4):c.49A>G (p.Ser17Gly)

Genes: SLC26A4 (solute carrier family 26 member 4; plus strand), SLC26A4-AS1 (SLC26A4 antisense RNA 1; minus strand). Cytogenetic location: 7q22.3.
Variant type: single nucleotide variant.
Coding change: c.49A>G on transcript NM_000441.2 (MANE Select); coding-DNA position 49, A replaced by G.
Protein change: p.Ser17Gly; replaces serine 17 with glycine.
Molecular consequence: missense variant. On other transcripts: non-coding transcript variant (1).
Genome position (GRCh38, 1-based): chr7:107,661,690, A>G. VCF-style: chr7-107661690-A-G. GRCh37 (hg19) VCF-style: chr7-107302135-A-G.
Other names: short protein forms S17G.
Identifiers: ClinVar variation 3731129 (VCV003731129.1).
Genomic context (GRCh38, chr7:107,661,690, plus strand): 5'-GGCTCGCAGGTCATGGCAGCGCCAGGCGGCAGGTCGGAGCCGCCGCAGCTCCCCGAGTAC[A>G]GCTGCAGCTACATGGTGTCGCGGCCGGTCTACAGCGAGCTCGCTTTCCAGCAACAGCACG-3'
Protein context (NP_000432.1, residues 7-27): RSEPPQLPEY[Ser17Gly]CSYMVSRPVY